The following is an entry in ClinVar:

ClinVar aggregate classification (germline): Benign. Review status: criteria provided, multiple submitters, no conflicts (2 of 4 stars). 11 submissions from 11 submitters: Benign (9). 2 of the submissions do not count toward it. Last evaluated 2026-02-01.

Conditions:
Telangiectasia, hereditary hemorrhagic, type 2 (HHT2). Also called: ACVRL1-Related Hereditary Hemorrhagic Telangiectasia; Telangiectasia, hereditary hemorrhagic, type II. Identifiers: Orphanet 774, MedGen C1838163, MONDO:0010880, OMIM 600376. Disease mechanism: loss of function.

Allele frequency attached by ClinVar (database versions not stated): gnomAD exomes 0.00085 and 0.00230; ExAC 0.00317; gnomAD 0.00901 and 0.00958; ESP Exome Variant Server 0.00938; 1000 Genomes Project 0.00978; TOPMed 0.00994; 1000 Genomes Project 30x 0.01249.
gnomAD v4.1: 2,680 of 1,613,228 alleles (0.17%); highest among the groups gnomAD compares: African/African-American, 3.2%; 41 homozygotes.

Submissions (11):

Labcorp Genetics (formerly Invitae), Labcorp
Classification: Benign for Telangiectasia, hereditary hemorrhagic, type 2. Last evaluated: 2026-02-01. Review status: criteria provided, single submitter. Criteria: Invitae Variant Classification Sherloc (09022015). Collection method: clinical testing. Allele origin: germline.

ARUP Laboratories, Molecular Genetics and Genomics, ARUP Laboratories
Classification: Benign for Telangiectasia, hereditary hemorrhagic, type 2. Last evaluated: 2024-08-05. Review status: criteria provided, single submitter. Criteria: ARUP Molecular Germline Variant Investigation Process 2024. Collection method: clinical testing. Allele origin: germline.

Mayo Clinic Laboratories, Mayo Clinic
Classification: Benign. Last evaluated: 2023-08-15. Review status: criteria provided, single submitter. Criteria: ACMG Guidelines, 2015. Collection method: clinical testing. Allele origin: germline. Observed: 9 variant alleles.
Comment: BS1, BS2, BP4, BP7

Genome-Nilou Lab
Classification: Benign for Telangiectasia, hereditary hemorrhagic, type 2. Last evaluated: 2021-12-05. Review status: criteria provided, single submitter. Criteria: ACMG Guidelines, 2015. Collection method: clinical testing. Allele origin: germline. Affected: no.

Women's Health and Genetics/Laboratory Corporation of America, LabCorp
Classification: Benign. Last evaluated: 2021-07-09. Review status: criteria provided, single submitter. Criteria: LabCorp Variant Classification Summary - May 2015. Collection method: clinical testing. Allele origin: germline.
Comment: Variant summary: ACVRL1 c.1246+9C>T alters a nucleotide located close to a canonical splice site and therefore could affect mRNA splicing, leading to a significantly altered protein sequence. The variant allele was found at a frequency of 0.0023 in 247898 control chromosomes in the gnomAD database, including 13 homozygotes. The observed variant frequency is approximately 68.98 fold of the estimated maximal expected allele frequency for a pathogenic variant in ACVRL1 causing Hereditary Hemorrhagic Telangiectasia phenotype (3.3e-05), strongly suggesting that the variant is benign. To our knowledge, no occurrence of c.1246+9C>T in individuals affected with Hereditary Hemorrhagic Telangiectasia and no experimental evidence demonstrating its impact on protein function have been reported. Three clinical diagnostic laboratories have submitted clinical-significance assessments for this variant to ClinVar after 2014 without evidence for independent evaluation. All laboratories classified the variant as benign/likely benign. Based on the evidence outlined above, the variant was classified as benign.

Illumina Laboratory Services, Illumina
Classification: Benign for Telangiectasia, hereditary hemorrhagic, type 2. Last evaluated: 2018-01-12. Review status: criteria provided, single submitter. Criteria: ICSL Variant Classification Criteria 13 December 2019. Collection method: clinical testing. Allele origin: germline.
Comment: This variant was observed in the ICSL laboratory as part of a predisposition screen in an ostensibly healthy population. It had not been previously curated by ICSL or reported in the Human Gene Mutation Database (HGMD: prior to June 1st, 2018), and was therefore a candidate for classification through an automated scoring system. Utilizing variant allele frequency, disease prevalence and penetrance estimates, and inheritance mode, an automated score was calculated to assess if this variant is too frequent to cause the disease. Based on the score and internal cut-off values, a variant classified as benign is not then subjected to further curation. The score for this variant resulted in a classification of benign for this disease.

GeneDx
Classification: Benign. Last evaluated: 2017-02-08. Review status: criteria provided, single submitter. Criteria: GeneDx Variant Classification (06012015). Collection method: clinical testing. Allele origin: germline. Affected: yes.
Comment: This variant is considered likely benign or benign based on one or more of the following criteria: it is a conservative change, it occurs at a poorly conserved position in the protein, it is predicted to be benign by multiple in silico algorithms, and/or has population frequency not consistent with disease.

Laboratory for Molecular Medicine, Mass General Brigham Personalized Medicine
Classification: Benign. Last evaluated: 2013-02-21. Review status: criteria provided, single submitter. Criteria: LMM Criteria. Collection method: clinical testing. Allele origin: germline. Observed: 1 variant allele.
Comment: 1246+9C>T in intron 8 of ACVRL1: This variant is not expected to have clinical s ignificance because it is not located within the conserved splice consensus sequ ence. It has been identified in 2.7% (121/4406) of African American chromosomes from a broad population by the NHLBI Exome Sequencing Project (dbSNP rs115378744).

PreventionGenetics, part of Exact Sciences
Classification: Benign. Review status: criteria provided, single submitter. Criteria: ACMG Guidelines, 2015. Collection method: clinical testing. Allele origin: germline.

Clinical Genetics, Academic Medical Center
Classification: Benign. Review status: no assertion criteria provided. Collection method: clinical testing. Allele origin: germline. Affected: yes. Study: VKGL Data-share Consensus. Not counted in ClinVar's aggregate classification.

Genome Diagnostics Laboratory, University Medical Center Utrecht
Classification: Benign. Review status: no assertion criteria provided. Collection method: clinical testing. Allele origin: germline. Affected: yes. Study: VKGL Data-share Consensus. Not counted in ClinVar's aggregate classification.

NM_000020.3(ACVRL1):c.1246+9C>T

Gene: ACVRL1 (activin A receptor like type 1; plus strand). Cytogenetic location: 12q13.13.
Variant type: single nucleotide variant.
Coding change: c.1246+9C>T on transcript NM_000020.3 (MANE Select); 9 bases into the intron after coding-DNA position 1246, C replaced by T.
Molecular consequence: intron variant.
Genome position (GRCh38, 1-based): chr12:51,916,242, C>T. VCF-style: chr12-51916242-C-T. GRCh37 (hg19) VCF-style: chr12-52310026-C-T.
Other names: p.?; c.1246+9C>T (NM_001077401.2).
Identifiers: ClinVar variation 254708 (VCV000254708.25), dbSNP rs115378744, ClinGen allele CA6573097.